The following is an entry in ClinVar:

NM_015506.3(MMACHC):c.315C>G (p.Tyr105Ter)

Gene: MMACHC (metabolism of cobalamin associated C; plus strand). Cytogenetic location: 1p34.1.
Variant type: single nucleotide variant.
Coding change: c.315C>G on transcript NM_015506.3 (MANE Select); coding-DNA position 315, C replaced by G.
Protein change: p.Tyr105Ter; replaces tyrosine 105 with a stop codon.
Molecular consequence: nonsense.
Genome position (GRCh38, 1-based): chr1:45,508,250, C>G. VCF-style: chr1-45508250-C-G. GRCh37 (hg19) VCF-style: chr1-45973922-C-G.
Other names: c.144C>G, p.Tyr48Ter (NM_001330540.2); short protein forms Y105*, Y48*.
Identifiers: ClinVar variation 553788 (VCV000553788.8), dbSNP rs528744719, ClinGen allele CA340132174.

ClinVar aggregate classification (germline): Pathogenic. Review status: criteria provided, multiple submitters, no conflicts (2 of 4 stars). 4 submissions from 4 submitters: Pathogenic (3). 1 of the submissions does not count toward it. Last evaluated 2024-03-27.

Conditions:
MMACHC-related disorder. Also called: MMACHC-related condition.
Cobalamin C disease. Also called: Cobalamin-C methylmalonic acidemia and homocystinuria; Methylmalonic acidemia and homocystinuria cblC type; Methylmalonic aciduria and homocystinuria, Vitamin B12-responsive; Vitamin B12 metabolic defect with combined deficiency of methylmalonyl-CoA mutase and homocysteine:methyltetrahydrofolate methyltransferase; methylmalonic aciduria and homocystinuria type cblC; Methylmalonic aciduria with homocystinuria cblC type. Identifiers: Orphanet 26, Orphanet 79282, MedGen C1848561, MONDO:0010184, OMIM 277400.

Allele frequency attached by ClinVar (database versions not stated): TOPMed 0.00002.
gnomAD v4.1: 1 of 1,614,002 alleles (0.000062%); highest among the groups gnomAD compares: East Asian, 0.0022%; no homozygotes.

Submissions (4):

Labcorp Genetics (formerly Invitae), Labcorp
Classification: Pathogenic for Cobalamin C disease. Last evaluated: 2024-03-27. Review status: criteria provided, single submitter. Criteria: Invitae Variant Classification Sherloc (09022015). Collection method: clinical testing. Allele origin: germline.
Comment: This sequence change creates a premature translational stop signal (p.Tyr105*) in the MMACHC gene. It is expected to result in an absent or disrupted protein product. Loss-of-function variants in MMACHC are known to be pathogenic (PMID: 16311595). This variant is not present in population databases (gnomAD no frequency). This premature translational stop signal has been observed in individual(s) with combined methylmalonic aciduria and homocystinuria (PMID: 20631720, 29731766, 31998365). ClinVar contains an entry for this variant (Variation ID: 553788). For these reasons, this variant has been classified as Pathogenic.

Baylor Genetics
Classification: Pathogenic for Cobalamin C disease. Last evaluated: 2024-01-07. Review status: criteria provided, single submitter. Criteria: ACMG Guidelines, 2015. Collection method: clinical testing. Allele origin: unknown.

Blueprint Genetics
Classification: Pathogenic for MMACHC-related disorders. Last evaluated: 2021-12-07. Review status: criteria provided, single submitter. Criteria: ACMG Guidelines, 2015. Collection method: clinical testing. Allele origin: germline. Affected: yes. Observed: 1 variant allele.

Counsyl
Classification: Pathogenic for Cobalamin C disease. Last evaluated: 2017-09-13. Review status: no assertion criteria provided. Collection method: clinical testing. Allele origin: unknown. Not counted in ClinVar's aggregate classification.

Literature cited by the submitters: PubMed 16311595 (cited by Labcorp Genetics (formerly Invitae), Labcorp); PubMed 20631720 (cited by Labcorp Genetics (formerly Invitae), Labcorp and Counsyl); PubMed 29731766 (cited by Labcorp Genetics (formerly Invitae), Labcorp); PubMed 31998365 (cited by Labcorp Genetics (formerly Invitae), Labcorp).